The following is an entry in ClinVar:

NM_005670.3(EPM2A):c.-167C>T

Genes: EPM2A (EPM2A glucan phosphatase, laforin; minus strand), EPM2A-DT (EPM2A divergent transcript; plus strand). Cytogenetic location: 6q24.3.
Variant type: single nucleotide variant.
Coding change: c.-167C>T on transcript NM_005670.3; 167 bases upstream of the start codon, C replaced by T.
Molecular consequence: intron variant (on NM_001360064.2).
Genome position (GRCh38, 1-based): chr6:145,735,665, G>A on the plus strand (C>T on the coding strand, the complement: EPM2A is on the minus strand). VCF-style: chr6-145735665-G-A. GRCh37 (hg19) VCF-style: chr6-146056801-G-A.
Other names: c.-114+243C>T (NM_001360064.2).
Identifiers: ClinVar variation 670731 (VCV000670731.3), dbSNP rs2072911, ClinGen allele CA12211229.

ClinVar aggregate classification (germline): Benign (1 of 4 stars; one submission).

Allele frequency attached by ClinVar (database versions not stated): gnomAD 0.53264 and 0.53139; 1000 Genomes Project 0.54293; 1000 Genomes Project 30x 0.53873; gnomAD exomes 0.57116; TOPMed 0.54167.
gnomAD v4.1: 611,463 of 1,080,896 alleles (57%); highest among the groups gnomAD compares: East Asian, 68%; 174,314 homozygotes.

Submission:

GeneDx
Classification: Benign. Last evaluated: 2018-06-14. Review status: criteria provided, single submitter. Criteria: GeneDx Variant Classification (06012015). Collection method: clinical testing. Allele origin: germline. Affected: yes.
Comment: This variant is considered likely benign or benign based on one or more of the following criteria: it is a conservative change, it occurs at a poorly conserved position in the protein, it is predicted to be benign by multiple in silico algorithms, and/or has population frequency not consistent with disease.